The following is an entry in ClinVar:

ClinVar aggregate classification (germline): Uncertain significance. Review status: criteria provided, multiple submitters, no conflicts (2 of 4 stars). 3 submissions from 3 submitters: Uncertain significance (3). Last evaluated 2026-06-16.

Conditions:
SCN10A-related disorder. Also called: SCN10A-related condition.
Cardiovascular phenotype. Identifiers: MedGen CN230736.
Brugada syndrome. Also called: Sudden Unexplained Nocturnal Death Syndrome (SUNDS); Sudden unexplained nocturnal death syndrome; Sudden Unexplained Death Syndrome; Sudden unexpected nocturnal death syndrome. Identifiers: Orphanet 130, MedGen C1142166, MONDO:0015263.

Allele frequency attached by ClinVar (database versions not stated): gnomAD exomes below 0.00001; gnomAD 0.00001; TOPMed 0.00003.

Submissions (3):

PreventionGenetics, part of Exact Sciences
Classification: Uncertain significance for SCN10A-related condition. Last evaluated: 2026-06-16. Review status: criteria provided, single submitter. Criteria: ACMG Guidelines, 2015. Collection method: clinical testing. Allele origin: germline.
Comment: The SCN10A c.3335A>T variant is predicted to result in the amino acid substitution p.Asp1112Val. To our knowledge, this variant has not been reported in the literature. This variant has been reported in 1 heterozygous individual within the ‘other’ subpopulation in gnomAD. At this time, the clinical significance of this variant is uncertain due to the absence of conclusive functional and genetic evidence.

Labcorp Genetics (formerly Invitae), Labcorp
Classification: Uncertain significance for Brugada syndrome. Last evaluated: 2025-11-26. Review status: criteria provided, single submitter. Criteria: Invitae Variant Classification Sherloc (09022015). Collection method: clinical testing. Allele origin: germline.
Comment: This sequence change replaces aspartic acid, which is acidic and polar, with valine, which is neutral and non-polar, at codon 1112 of the SCN10A protein (p.Asp1112Val). This variant is present in population databases (no rsID available, gnomAD no frequency). This variant has not been reported in the literature in individuals affected with SCN10A-related conditions. ClinVar contains an entry for this variant (Variation ID: 1730348). Invitae Evidence Modeling of protein sequence and biophysical properties (such as structural, functional, and spatial information, amino acid conservation, physicochemical variation, residue mobility, and thermodynamic stability) indicates that this missense variant is not expected to disrupt SCN10A protein function with a negative predictive value of 80%. In summary, the available evidence is currently insufficient to determine the role of this variant in disease. Therefore, it has been classified as a Variant of Uncertain Significance.

Ambry Genetics
Classification: Uncertain significance for Cardiovascular phenotype. Last evaluated: 2025-08-30. Review status: criteria provided, single submitter. Criteria: Ambry Variant Classification Scheme 2023. Collection method: clinical testing. Allele origin: germline.
Comment: The p.D1112V variant (also known as c.3335A>T), located in coding exon 18 of the SCN10A gene, results from an A to T substitution at nucleotide position 3335. The aspartic acid at codon 1112 is replaced by valine, an amino acid with highly dissimilar properties. This amino acid position is not well conserved in available vertebrate species. In addition, the in silico prediction for this alteration is inconclusive. The evidence for this gene-disease relationship is limited; therefore, the clinical significance of this alteration is unclear.

NM_006514.4(SCN10A):c.3335A>T (p.Asp1112Val)

Genes: SCN10A (sodium voltage-gated channel alpha subunit 10; minus strand), LOC110121288 (VISTA enhancer hs2268; plus strand). Cytogenetic location: 3p22.2.
Variant type: single nucleotide variant.
Coding change: c.3335A>T on transcript NM_006514.4 (MANE Select); coding-DNA position 3335, A replaced by T.
Protein change: p.Asp1112Val; replaces aspartic acid 1112 with valine.
Molecular consequence: missense variant.
Genome position (GRCh38, 1-based): chr3:38,723,447, T>A on the plus strand (A>T on the coding strand, the complement: SCN10A is on the minus strand). VCF-style: chr3-38723447-T-A. GRCh37 (hg19) VCF-style: chr3-38764938-T-A.
Other names: c.3335A>T (NM_006514.3); c.3332A>T, p.Asp1111Val (NM_001293306.2); c.3041A>T, p.Asp1014Val (NM_001293307.2); short protein forms D1014V, D1111V, D1112V.
Identifiers: ClinVar variation 1730348 (VCV001730348.5), dbSNP rs775624502, ClinGen allele CA72958475.
Genomic context (GRCh38, chr3:38,723,447, plus strand): 5'-CTAATTAACATCAGTGTGAGGGGGCCTGTGGCTGTCCCTTCACCTTCTGTGAAGCAGTCA[T>A]CTGGTTCTTCCAGGTCATCTGCCAGCTCAGGGATCTTCCTCAGGATTTCCTCAGGATCTA-3'
Protein context (NP_006505.4, residues 1102-1122): PELADDLEEP[Asp1112Val]DCFTEGCIRH